The following is an entry in ClinVar:

NM_020693.4(DSCAML1):c.5828A>C (p.His1943Pro)

Gene: DSCAML1 (DS cell adhesion molecule like 1; minus strand). Cytogenetic location: 11q23.3.
Variant type: single nucleotide variant.
Coding change: c.5828A>C on transcript NM_020693.4 (MANE Select); coding-DNA position 5828, A replaced by C.
Protein change: p.His1943Pro; replaces histidine 1943 with proline.
Molecular consequence: missense variant.
Genome position (GRCh38, 1-based): chr11:117,428,662, T>G on the plus strand (A>C on the coding strand, the complement: DSCAML1 is on the minus strand). VCF-style: chr11-117428662-T-G. GRCh37 (hg19) VCF-style: chr11-117299378-T-G.
Other names: short protein forms H1943P.
Identifiers: ClinVar variation 3617314 (VCV003617314.2).

ClinVar aggregate classification (germline): Uncertain significance (1 of 4 stars; one submission).

gnomAD v4.1: 1 of 1,612,102 alleles (0.000062%); highest among the groups gnomAD compares: African/African-American, 0.0013%; no homozygotes.

Submission:

Labcorp Genetics (formerly Invitae), Labcorp
Classification: Uncertain significance. Last evaluated: 2024-08-20. Review status: criteria provided, single submitter. Criteria: Invitae Variant Classification Sherloc (09022015). Collection method: clinical testing. Allele origin: germline.
Comment: This sequence change replaces histidine, which is basic and polar, with proline, which is neutral and non-polar, at codon 2003 of the DSCAML1 protein (p.His2003Pro). This variant is present in population databases (no rsID available, gnomAD 0.01%). This variant has not been reported in the literature in individuals affected with DSCAML1-related conditions. An algorithm developed to predict the effect of missense changes on protein structure and function (PolyPhen-2) suggests that this variant is likely to be disruptive. In summary, the available evidence is currently insufficient to determine the role of this variant in disease. Therefore, it has been classified as a Variant of Uncertain Significance.